The following continues an entry in ClinVar:

NM_000051.4(ATM):c.2250G>A (p.Lys750=)

Gene: ATM. ClinVar aggregate classification (germline): Pathogenic/Likely pathogenic. Pathogenic (24); Likely pathogenic (2).

Submissions 12 to 25 of 32:

3billion
Classification: Pathogenic for Ataxia-telangiectasia syndrome. Last evaluated: 2022-09-01. Review status: criteria provided, single submitter. Criteria: ACMG Guidelines, 2015. Collection method: clinical testing. Allele origin: germline. Affected: yes. Observed: 1 homozygote.
Comment: The variant is observed at an extremely low frequency in the gnomAD v2.1.1 dataset (total allele frequency: 0.004%). Synonymous variant leading to alternate splicing. Functional studies provide supporting evidence of the variant having a damaging effect on the gene or gene product (PMID: 10330348 , 10980530 , 9463314 , 9887333). In silico tools predict the variant to alter splicing and produce an abnormal transcript (SpliceAI: 0.94). The variant has been observed in multiple (>3) similarly affected unrelated individuals (PMID: 10330348 , 10980530 , 19691550 , 9463314 , 9887333). The variant has been reported at least twice as pathogenic with clinical assertions and evidence for the classification (ClinVar ID: VCV000003044 / PMID: 26681312). Therefore, this variant is classified as Pathogenic according to the recommendation of ACMG/AMP guideline.

GeneDx
Classification: Pathogenic. Last evaluated: 2022-06-21. Review status: criteria provided, single submitter. Criteria: GeneDx Variant Classification Process June 2021. Collection method: clinical testing. Allele origin: germline. Affected: yes.
Comment: Published functional studies demonstrate that the variant causes skipping of exon 14, also known as exon 16 using alternate nomenclature, and reduces ATM protein expression levels (Sandoval et al., 1999; Teraoka et al., 1999; Prodosmo et al., 2013; Shirts et al., 2016; Casadei et al., 2019); Not observed at significant frequency in large population cohorts (gnomAD); In silico analysis supports a deleterious effect on splicing; This variant is associated with the following publications: (PMID: 24549055, 17968022, 18321536, 12497634, 17910737, 19691550, 10980530, 23612382, 11889466, 28779002, 21665257, 26681312, 9463314, 16941484, 25614872, 21445571, 9887333, 17203191, 23454770, 18164969, 23632773, 25037873, 26845104, 8789452, 12552559, 12815592, 17124347, 24763289, 10425038, 28152038, 27671921, 26270727, 29101607, 29785153, 27779110, 29600275, 10330348, 31159747, 31843900, 31948886, 26896183, 32885271, 32427313, 27535533, 32918381)

Institute for Clinical Genetics, University Hospital TU Dresden, University Hospital TU Dresden
Classification: Pathogenic. Last evaluated: 2022-04-28. Review status: criteria provided, single submitter. Criteria: ACMG Guidelines, 2015. Collection method: clinical testing. Allele origin: germline.
Comment: PS4, PP3, PM2_SUP, PS3

Sema4
Classification: Pathogenic for Hereditary cancer-predisposing syndrome. Last evaluated: 2021-11-03. Review status: criteria provided, single submitter. Criteria: Sema4 Curation Guidelines. Collection method: curation. Allele origin: germline.
Comment: The ATM c.2250G>A (p.K750=) variant has been reported as compound heterozygous in numerous individuals and families with ataxia-telangiectasia (PMID: 9887333, 10980530, 9463314, 21792198, among others). This variant has also been reported in at least one individual with breast cancer (PMID: 32427313). Experimental studies demonstrate that this variant results in skipping of exon 14 (also referred to as exon 16 in the literature), resulting in the in-frame deletion of 42 amino acids (PMID: 31843900, 10980530, 9887333). It is also known as c.2125_2250del (p.Ile709_Lys750del) in the literature. This variant was observed in 8/113458 chromosomes in the Non-Finnish European population according to the Genome Aggregation Database (PMID: 32461654). This variant has been reported in ClinVar (Variation ID: 3044). Based on the current evidence available, this variant is interpreted as pathogenic.

Institute of Medical Genetics and Applied Genomics, University Hospital Tübingen
Classification: Pathogenic. Last evaluated: 2021-02-01. Review status: criteria provided, single submitter. Criteria: ACMG Guidelines, 2015. Collection method: clinical testing. Allele origin: germline. Inheritance: Unknown mechanism. Affected: yes.

Institute of Human Genetics Munich, TUM University Hospital
Classification: Pathogenic for Ataxia-telangiectasia syndrome. Last evaluated: 2020-09-02. Review status: criteria provided, single submitter. Criteria: Classification criteria August 2017. Collection method: clinical testing. Allele origin: germline. Inheritance: Autosomal recessive inheritance. Affected: yes. Observed: 1 variant allele.

Spanish ATM Cancer Susceptibility Variant Interpretation Working Group
Classification: Pathogenic for Hereditary cancer-predisposing syndrome. Last evaluated: 2020-06-17. Review status: criteria provided, single submitter. Criteria: Feliubadaló L et al. (Clin Chem 2021). Collection method: clinical testing. Allele origin: germline. Affected: yes. Observed: 1 heterozygote.
Comment: The c.2250G>A variant has an allele frequency of 0.0047%, (11/236,200 alleles) in the gnomAD v2.1.1 non-cancer dataset, with a maximal frequency of 0.0078%, (8/102,444 alleles) in the European (non-Finnish) subpopulation subpopulation (no population frequency criterion met). This variant in the last nucleotide of the exon leads to a splicing alteration as per SPiCE predictor (PP3). Two independent assays with ataxia telangiectasia patients’ mRNA showed the skipping of exon 14 (r.2125_2250del), which will produce an in-frame deletion of 42 amino acids (p.Ile709_Lys750del) (PMID: 10330348, 9887333). It has been reported in at least eighteen ataxia-telangiectasia probands in homozygosis or together with (likely) pathogenic variants, which awards 4 points to this variant as per ClinGen SVI Recommendation for in trans Criterion (PM3_VeryStrong; PMID: 16941484, 25037873, 25614872, 21792198, 19691550, 10873394, 29600275, 10330348, 9463314, 27671921, 9887333, 12552559, 17124347). Moreover, lymphoblastoid cell lines of patients carrying this variant have been reported to have residual or absent ATM protein expression, no kinase activity on 6 substrates and increased chromosome instability (PS3_Moderate; PMID: 9887333, 10330348, 27613453, 21792198, 29600275). Although this variant is located in a non-highly conserved nucleotide based on its PhyloP score (BP7), it meets criteria to be classified as pathogenic. Adapted ACMG/AMP rules applied as defined by the Spanish ATM working group: PP3 + PS3_Moderate + PM3_VeryStrong + BP7 (PMID: 33280026).

GeneKor MSA
Classification: Likely pathogenic for Hereditary cancer-predisposing syndrome. Last evaluated: 2020-01-01. Review status: criteria provided, single submitter. Criteria: ACMG Guidelines, 2015. Collection method: clinical testing. Allele origin: germline. Affected: yes.
Comment: This variant occurs at the last base of exon 14, a position that is highly conserved in the human and other genomes. Although it does not result in an amino acid substitution, it has been demonstrated to affect splicing of the mRNA, specifically in frame skipping of the entire exon 14 (c.2125_2250del, p.(Ile709_Lys750del) (PMID: 10330348). This variant is listed in population databases at a very low frequency (rs1137887, ExAC <0.01%) and has been described in the international bibliography in individuals and families affected with Ataxia Telangiectasia (A-T) (PMID: 19691550, 10980530, 10330348 ). The mutation database ClinVar contains entries for this variant (Variation ID:3044).

Knight Diagnostic Laboratories, Oregon Health and Sciences University
Classification: Pathogenic for Hereditary cancer-predisposing syndrome. Last evaluated: 2019-03-20. Review status: criteria provided, single submitter. Criteria: ACMG Guidelines, 2015. Collection method: clinical testing. Allele origin: germline. Observed: 1 variant allele.

Fulgent Genetics
Classification: Pathogenic for Familial cancer of breast; Ataxia-telangiectasia syndrome. Last evaluated: 2018-10-31. Review status: criteria provided, single submitter. Criteria: ACMG Guidelines, 2015. Collection method: clinical testing. Allele origin: unknown.

Athena Diagnostics
Classification: Pathogenic. Last evaluated: 2018-04-25. Review status: criteria provided, single submitter. Criteria: Athena Diagnostics Criteria. Collection method: clinical testing. Allele origin: germline.

Quest Diagnostics Nichols Institute San Juan Capistrano
Classification: Pathogenic. Last evaluated: 2018-04-25. Review status: criteria provided, single submitter. Criteria: Quest Diagnostics criteria. Collection method: clinical testing. Allele origin: unknown.
Comment: This variant has been reported in patients with breast or ovarian cancer (PMIDs: 21445571 (2011), 24549055 (2014), 26845104 (2016), 32427313 (2020), 33280026 (2021)) and Ataxia-Telangiectasia (PMIDs: 10980530 (2000), 11889466 (2002), and 12552559 (2003)). Peer-reviewed experiments also report aberrant splicing observed in RNA extracted from patient samples and a lack of apparent protein expression (PMIDs: 9887333 (1999) and 10330348 (1999)). Analysis of this variant using software algorithms for the prediction of the effect of nucleotide changes on splicing yielded predictions that this variant may affect proper ATM mRNA splicing . Based on the available information, this variant is classified as pathogenic.

Women's Health and Genetics/Laboratory Corporation of America, LabCorp
Classification: Pathogenic for Ataxia-telangiectasia syndrome. Last evaluated: 2018-03-23. Review status: criteria provided, single submitter. Criteria: LabCorp Variant Classification Summary - May 2015. Collection method: clinical testing. Allele origin: germline.
Comment: Variant summary: ATM c.2250G>A (p.Lys750Lys) alters a conserved nucleotide located close to a canonical splice site and therefore could affect mRNA splicing, leading to a significantly altered protein sequence. Several computational tools predict a significant impact on normal splicing: One predict the variant abolishes a 5' splicing donor site and three predict the variant weakens a 5' donor site. At least one publication reports experimental evidence that this variant affects mRNA splicing. The variant allele was found at a frequency of 4.5e-05 in 245598 control chromosomes. This frequency is not higher than expected for a pathogenic variant in ATM causing Ataxia-Telangiectasia (4.5e-05 vs 0.004), allowing no conclusion about variant significance. c.2250G>A has been reported in the literature in multiple individuals affected with Ataxia-Telangiectasia. These data indicate that the variant is very likely to be associated with disease. Six clinical diagnostic laboratories have submitted clinical-significance assessments for this variant to ClinVar after 2014 without evidence for independent evaluation. All labs classified it as pathogenic/likely pathogenic. Based on the evidence outlined above, the variant was classified as pathogenic.

University of Washington Department of Laboratory Medicine, University of Washington
Classification: Pathogenic for Ataxia-telangiectasia syndrome. Last evaluated: 2017-07-11. Review status: criteria provided, single submitter. Criteria: Shirts BH et al. (Genet Med 2016). Collection method: clinical testing. Allele origin: germline. Inheritance: Autosomal recessive inheritance. Affected: yes.